The following is an entry in ClinVar:

ClinVar aggregate classification (germline): Uncertain significance (1 of 4 stars; one submission).

Conditions:
Long QT syndrome (LQTS). Identifiers: MedGen C0023976, MeSH D008133, MONDO:0002442. Disease mechanism: loss of function. Inheritance: Various modes of inheritance.

Submission:

Labcorp Genetics (formerly Invitae), Labcorp
Classification: Uncertain significance for Long QT syndrome. Last evaluated: 2021-08-30. Review status: criteria provided, single submitter. Criteria: Invitae Variant Classification Sherloc (09022015). Collection method: clinical testing. Allele origin: germline.
Comment: Algorithms developed to predict the effect of missense changes on protein structure and function are either unavailable or do not agree on the potential impact of this missense change (SIFT: "Deleterious"; PolyPhen-2: "Probably Damaging"; Align-GVGD: "Class C15"). This variant has not been reported in the literature in individuals affected with AKAP9-related conditions. This variant is not present in population databases (ExAC no frequency). This sequence change replaces glycine with arginine at codon 3727 of the AKAP9 protein (p.Gly3727Arg). The glycine residue is highly conserved and there is a moderate physicochemical difference between glycine and arginine. In summary, the available evidence is currently insufficient to determine the role of this variant in disease. Therefore, it has been classified as a Variant of Uncertain Significance.

NM_005751.5(AKAP9):c.11179G>C (p.Gly3727Arg)

Gene: AKAP9 (A-kinase anchoring protein 9; plus strand). Cytogenetic location: 7q21.2.
Variant type: single nucleotide variant.
Coding change: c.11179G>C on transcript NM_005751.5 (MANE Select); coding-DNA position 11179, G replaced by C.
Protein change: p.Gly3727Arg; replaces glycine 3727 with arginine.
Molecular consequence: missense variant.
Genome position (GRCh38, 1-based): chr7:92,102,675, G>C. VCF-style: chr7-92102675-G-C. GRCh37 (hg19) VCF-style: chr7-91731989-G-C.
Other names: c.5824G>C, p.Gly1942Arg (NM_001379277.1); c.11155G>C, p.Gly3719Arg (NM_147185.3); short protein forms G1942R, G3727R, G3719R.
Identifiers: ClinVar variation 1403330 (VCV001403330.6), dbSNP rs2130914041, ClinGen allele CA368162272.